The following is an entry in ClinVar:

ClinVar aggregate classification (germline): Uncertain significance. Review status: criteria provided, multiple submitters, no conflicts (2 of 4 stars). 5 submissions from 5 submitters: Uncertain significance (5). Last evaluated 2024-09-30.

Conditions:
Autosomal recessive hypophosphatemic bone disease (HHRH). Also called: Hypophosphatemic rickets with hypercalciuria; HYPERCALCIURIC RICKETS. Identifiers: Orphanet 157215, MedGen C1853271, MONDO:0009431, OMIM 241530.

Allele frequency attached by ClinVar (database versions not stated): TOPMed 0.00004; gnomAD 0.00005 and 0.00006; ExAC 0.00012.
gnomAD v4.1: 102 of 1,610,946 alleles (0.0063%); highest among the groups gnomAD compares: Middle Eastern, 0.36%; no homozygotes.

Submissions (5):

Labcorp Genetics (formerly Invitae), Labcorp
Classification: Uncertain significance. Last evaluated: 2024-09-30. Review status: criteria provided, single submitter. Criteria: Invitae Variant Classification Sherloc (09022015). Collection method: clinical testing. Allele origin: germline.
Comment: This sequence change replaces valine, which is neutral and non-polar, with methionine, which is neutral and non-polar, at codon 358 of the SLC34A3 protein (p.Val358Met). This variant is present in population databases (rs770332251, gnomAD 0.03%). This variant has not been reported in the literature in individuals affected with SLC34A3-related conditions. ClinVar contains an entry for this variant (Variation ID: 287109). Invitae Evidence Modeling of protein sequence and biophysical properties (such as structural, functional, and spatial information, amino acid conservation, physicochemical variation, residue mobility, and thermodynamic stability) indicates that this missense variant is not expected to disrupt SLC34A3 protein function with a negative predictive value of 80%. In summary, the available evidence is currently insufficient to determine the role of this variant in disease. Therefore, it has been classified as a Variant of Uncertain Significance.

Fulgent Genetics
Classification: Uncertain significance for Autosomal recessive hypophosphatemic bone disease. Last evaluated: 2022-01-06. Review status: criteria provided, single submitter. Criteria: ACMG Guidelines, 2015. Collection method: clinical testing. Allele origin: unknown.

Revvity Omics, Revvity
Classification: Uncertain significance for Autosomal recessive hypophosphatemic bone disease. Last evaluated: 2021-08-27. Review status: criteria provided, single submitter. Criteria: ACMG Guidelines, 2015. Collection method: clinical testing. Allele origin: germline.

Eurofins Ntd Llc (ga)
Classification: Uncertain significance. Last evaluated: 2016-03-23. Review status: criteria provided, single submitter. Criteria: EGL Classification Definitions 2015. Collection method: clinical testing. Allele origin: germline. Observed: 1 variant allele, 1 heterozygote.

Breakthrough Genomics
Classification: Uncertain significance. Review status: criteria provided, single submitter. Criteria: ACMG Guidelines, 2015. Collection method: not provided. Allele origin: germline. Inheritance: Autosomal recessive inheritance. Affected: yes.

NM_001177316.2(SLC34A3):c.1072G>A (p.Val358Met)

Gene: SLC34A3 (solute carrier family 34 member 3; plus strand). Cytogenetic location: 9q34.3.
Variant type: single nucleotide variant.
Coding change: c.1072G>A on transcript NM_001177316.2 (MANE Select); coding-DNA position 1072, G replaced by A.
Protein change: p.Val358Met; replaces valine 358 with methionine.
Molecular consequence: missense variant.
Genome position (GRCh38, 1-based): chr9:137,234,255, G>A. VCF-style: chr9-137234255-G-A. GRCh37 (hg19) VCF-style: chr9-140128707-G-A.
Other names: c.1072G>A, p.Val358Met (NM_001177317.2, NM_080877.3); short protein forms V358M.
Identifiers: ClinVar variation 287109 (VCV000287109.12), dbSNP rs770332251, ClinGen allele CA5364754.
Genomic context (GRCh38, chr9:137,234,255, plus strand): 5'-TGCCTGGTCCTCATAGTCAAGCTGCTCAACTCTGTGCTGCGCGGCCGCGTGGCCCAGGTC[G>A]TGAGGACAGTCATCAATGCGGGTGAGGGCGTGGGAGGAGGTGCGGTGGCCAGGGCTGACC-3'
Protein context (NP_001170787.2, residues 348-368): SVLRGRVAQV[Val358Met]RTVINADFPF